The following is an entry in ClinVar:

ClinVar aggregate classification (germline): Pathogenic (0 of 4 stars; one submission).

Conditions:
Endometrial carcinoma. Also called: Endometrial carcinoma, somatic. Identifiers: MedGen C0476089, MONDO:0002447, OMIM 608089, HP:0012114.

Submission:

Department of Pathology and Laboratory Medicine, Sinai Health System
Classification: Pathogenic for Endometrial carcinoma. Review status: no assertion criteria provided. Collection method: clinical testing. Allele origin: unknown. Affected: yes. Study: The Canadian Open Genetics Repository (COGR).
Comment: The PMS2 c.2276-?_2589+?del variant (chr:7 g.6013030_6017388del GRCh37) results in a deletion of exons 14-15, although the precise breakpoints of this deletion were not determined, nor were the effects of this variant on the resulting mRNA or protein product determined. The PMS2 c.2276-?_2589+?del variant was identified in 5(3 homozygous) of 146 proband chromosomes (frequency: 0.05) from individuals or families with constitutional mismatch repair deficiency or Lynch syndrome (Bakry 2014,Bodo 2015, Vaughn 2011). The variant was also identified in ClinVar (classified as pathogenic by Invitae). The variant was not identified in dbSNP database. The variant was not identified in the following control databases: the Exome Aggregation Consortium (August 8th 2016), or the Genome Aggregation Database (Feb 27, 2017). This alteration is predicted to result in a truncated or absent protein and loss of function. Loss of function variants of the PMS2 gene are an established mechanism of disease in PMS2 associated cancers and is the type of variant expected to cause the disorder. In summary, based on the above information this variant meets our laboratoryâ€šÃ„Ã´s criteria to be classified as pathogenic.

NM_000535.7(PMS2):c.2446-170_*3del

Gene: PMS2 (PMS1 homolog 2, mismatch repair system component; minus strand). Cytogenetic location: 7p22.1.
Variant type: Deletion.
Coding change: c.2446-170_*3del on transcript NM_000535.7 (MANE Select); 170 bases into the intron before coding-DNA position 2446 through 3 bases downstream of the stop codon, 317 bases deleted.
Molecular consequence: splice acceptor variant.
Genome position (GRCh38, 1-based): chr7:5,973,396-5,973,712, 317 bases deleted. GRCh37 (hg19): chr7:6,013,028-6,013,344.
Other names: c.2128-170_*3del (NM_001322008.2, NM_001322007.2); c.1885-170_*3del (NM_001322010.2); c.2041-170_*3del (NM_001322004.2, NM_001322003.2, NM_001322005.2); c.1873-170_*3del (NM_001322013.2); c.1513-170_*3del (NM_001322012.2, NM_001322011.2); c.2137-170_*3del (NM_001322015.2); c.2290-170_*3del (NM_001322006.2); c.2479-170_*3del (NM_001322014.2); and 1 more.
Identifiers: ClinVar variation 1049466 (VCV001049466.1), dbSNP rs2128656455, ClinGen allele CA2499218926.